The following is an entry in ClinVar:

ClinVar aggregate classification (germline): Uncertain significance (1 of 4 stars; one submission).

Conditions:
HARS1-related conditions.

Submission:

Laboratorio de Biologia Molecular/Medicina Genomica - IFF/Fiocruz, Instituto Fernandes Figueira, Fundacao Oswaldo Cruz
Classification: Uncertain significance for HARS1-related conditions. Last evaluated: 2025-09-02. Review status: criteria provided, single submitter. Criteria: ACMG Guidelines, 2015. Collection method: clinical testing. Allele origin: germline. Affected: yes. Observed: 1 variant allele.
Comment: Variant: c.1138G>A (p.Val380Met) in exon 10 of the HARS1 gene. Protein effect: Missense substitution at a highly conserved residue. In silico tools: Do not predict a deleterious impact. Population database (gnomAD): Absent. ACMG/AMP criteria applied: PM2_Supporting.

NM_002109.6(HARS1):c.1138G>A (p.Val380Met)

Gene: HARS1 (histidyl-tRNA synthetase 1; minus strand). Cytogenetic location: 5q31.3.
Variant type: single nucleotide variant.
Coding change: c.1138G>A on transcript NM_002109.6 (MANE Select); coding-DNA position 1138, G replaced by A.
Protein change: p.Val380Met; replaces valine 380 with methionine.
Molecular consequence: missense variant.
Genome position (GRCh38, 1-based): chr5:140,676,710, C>T on the plus strand (G>A on the coding strand, the complement: HARS1 is on the minus strand). VCF-style: chr5-140676710-C-T. GRCh37 (hg19) VCF-style: chr5-140056295-C-T.
Other names: c.1018G>A, p.Val340Met (NM_001258040.3); c.1078G>A, p.Val360Met (NM_001258041.3); c.958G>A, p.Val320Met (NM_001258042.3); c.916G>A, p.Val306Met (NM_001289092.2); c.796G>A, p.Val266Met (NM_001289093.2); c.1051G>A, p.Val351Met (NM_001289094.2); short protein forms V266M, V306M, V320M, V340M, V351M, V360M, V380M.
Identifiers: ClinVar variation 4795207 (VCV004795207.1).